The following is an entry in ClinVar:

ClinVar aggregate classification (germline): Conflicting classifications of pathogenicity. Review status: criteria provided, conflicting classifications (1 of 4 stars). 3 submissions from 3 submitters: Uncertain significance (2); Likely benign (1). Last evaluated 2025-03-30.

Conditions:
Hereditary cancer-predisposing syndrome. Also called: Hereditary neoplastic syndrome; Hereditary Cancer Syndrome; Neoplastic Syndromes, Hereditary; Tumor predisposition. Identifiers: Orphanet 140162, MedGen C0027672, MeSH D009386, MONDO:0015356.
Hereditary nonpolyposis colorectal neoplasms. Identifiers: MedGen C0009405, MeSH D003123.

Allele frequency attached by ClinVar (database versions not stated): gnomAD exomes below 0.00001; TOPMed 0.00001.

Submissions (3):

Labcorp Genetics (formerly Invitae), Labcorp
Classification: Likely benign for Hereditary nonpolyposis colorectal neoplasms. Last evaluated: 2025-03-30. Review status: criteria provided, single submitter. Criteria: Invitae Variant Classification Sherloc (09022015). Collection method: clinical testing. Allele origin: germline.

Ambry Genetics
Classification: Uncertain significance for Hereditary cancer-predisposing syndrome. Last evaluated: 2019-10-21. Review status: criteria provided, single submitter. Criteria: Ambry Variant Classification Scheme 2023. Collection method: clinical testing. Allele origin: germline.
Comment: The p.E171G variant (also known as c.512A>G), located in coding exon 3 of the MSH6 gene, results from an A to G substitution at nucleotide position 512. The glutamic acid at codon 171 is replaced by glycine, an amino acid with similar properties. This amino acid position is well conserved in available vertebrate species. In addition, the in silico prediction for this alteration is inconclusive. Since supporting evidence is limited at this time, the clinical significance of this alteration remains unclear.

GeneDx
Classification: Uncertain significance. Last evaluated: 2015-11-30. Review status: criteria provided, single submitter. Criteria: GeneDx Variant Classification (06012015). Collection method: clinical testing. Allele origin: germline. Affected: yes.
Comment: This variant is denoted MSH6 c.512A>G at the cDNA level, p.Glu171Gly (E171G) at the protein level, and results in the change of a Glutamic Acid to a Glycine (GAA>GGA). This variant has not, to our knowledge, been published in the literature as pathogenic or benign. MSH6 Glu171Gly was not observed in approximately 6,500 individuals of European and African American ancestry in the NHLBI Exome Sequencing Project, suggesting it is not a common benign variant in these populations. Since Glutamic Acid and Glycine differ in polarity, charge, size or other properties, this is considered a non-conservative amino acid substitution. MSH6 Glu171Gly occurs at a position that is conserved in mammals and is located in the PWWP domain (Terui 2013). In silico analyses are inconsistent regarding the effect this variant may have on protein structure and function. Based on currently available evidence, it is unclear whether MSH6 Glu171Gly is a pathogenic or benign variant. We consider it to be a variant of uncertain significance.

NM_000179.3(MSH6):c.512A>G (p.Glu171Gly)

Gene: MSH6 (mutS homolog 6; plus strand). Cytogenetic location: 2p16.3.
Variant type: single nucleotide variant.
Coding change: c.512A>G on transcript NM_000179.3 (MANE Select); coding-DNA position 512, A replaced by G.
Protein change: p.Glu171Gly; replaces glutamic acid 171 with glycine.
Molecular consequence: missense variant. On other transcripts: 5 prime UTR variant (1), intron variant (2).
Genome position (GRCh38, 1-based): chr2:47,795,948, A>G. VCF-style: chr2-47795948-A-G. GRCh37 (hg19) VCF-style: chr2-48023087-A-G.
Other names: c.-391A>G (NM_001281494.2); c.-279-2663A>G (NM_001281493.2); c.238-2663A>G (NM_001281492.2); short protein forms E171G.
Identifiers: ClinVar variation 234660 (VCV000234660.15), dbSNP rs876661145, ClinGen allele CA10577252.
Genomic context (GRCh38, chr2:47,795,948, plus strand): 5'-TTCTAGGTTCAAAATCAAAGGAAGCCCAGAAGGGAGGTCATTTTTACAGTGCAAAGCCTG[A>G]AATACTGAGAGCAATGCAACGTGCAGATGAAGCCTTAAATAAAGACAAGATTAAGAGGCT-3'
Protein context (NP_000170.1, residues 161-181): KGGHFYSAKP[Glu171Gly]ILRAMQRADE